The following is an entry in ClinVar:

ClinVar aggregate classification (germline): Likely benign. Review status: criteria provided, multiple submitters, no conflicts (2 of 4 stars). 2 submissions from 2 submitters: Likely benign (2). Last evaluated 2024-07-09.

Submissions (2):

Blueprint Genetics
Classification: Likely benign. Last evaluated: 2024-07-09. Review status: criteria provided, single submitter. Criteria: ACMG Guidelines, 2015. Collection method: clinical testing. Allele origin: germline.

GeneDx
Classification: Likely benign. Last evaluated: 2015-12-03. Review status: criteria provided, single submitter. Criteria: GeneDx Variant Classification (06012015). Collection method: clinical testing. Allele origin: germline. Affected: yes.
Comment: This variant is considered likely benign or benign based on one or more of the following criteria: it is a conservative change, it occurs at a poorly conserved position in the protein, it is predicted to be benign by multiple in silico algorithms, and/or has population frequency not consistent with disease.

NM_000726.5(CACNB4):c.267+12del

Gene: CACNB4 (calcium voltage-gated channel auxiliary subunit beta 4; minus strand). Cytogenetic location: 2q23.3.
Variant type: Deletion.
Coding change: c.267+12del on transcript NM_000726.5 (MANE Select); 12 bases into the intron after coding-DNA position 267, one base deleted (T; older notation c.267+12delT).
Molecular consequence: intron variant.
Genome position (GRCh38, 1-based): chr2:151,883,239, A deleted on the plus strand (T on the coding strand, the reverse complement: CACNB4 is on the minus strand); the first of 3 consecutive A bases (chr2:151,883,239-151,883,241); deleting any one gives the same sequence. VCF-style (leftmost placement, unchanged base first): chr2-151883238-GA-G. GRCh37 (hg19) VCF-style: chr2-152739752-GA-G.
Other names: c.267+12del (NM_001145798.2); c.213+12del (NM_001330113.2, NM_001005746.4); c.165+12del (NM_001330115.2, NM_001005747.4); c.126+12del (NM_001330116.2, NM_001320722.3, NM_001330118.1); c.-368+12del (NM_001330114.2); c.-292+12del (NM_001330117.2); c.267+12delT (NM_000726.2).
Identifiers: ClinVar variation 418105 (VCV000418105.2), dbSNP rs750563187, ClinGen allele CA1912665.
Genomic context (GRCh38, chr2:151,883,238, plus strand): 5'-GGTAAGGGAAGAGCAGCTGGTAGCCACTGAGCAACGACCCACTTTTGAGCCAAAGAGAAG[GA>G]AAGAGACTCACCTTTGCTCTCTCAAGCTGGATAGCTGCTTGCTGTTCTCTCTCCTGTCGA-3'